The following is an entry in ClinVar:

ClinVar aggregate classification (germline): Pathogenic (1 of 4 stars; one submission).

Conditions:
Ellis-van Creveld syndrome (EVC). Also called: MESOECTODERMAL DYSPLASIA; Chondroectodermal dysplasia. Identifiers: Orphanet 289, MedGen C0013903, MONDO:0009162, OMIM 225500.

Submission:

Myriad Genetics, Inc.
Classification: Pathogenic for Ellis-van Creveld syndrome. Last evaluated: 2026-02-17. Review status: criteria provided, single submitter. Criteria: Myriad Autosomal Dominant, Autosomal Recessive and X-Linked Classification Criteria (2023). Collection method: clinical testing. Allele origin: unknown.
Comment: NM_153717.2(EVC):c.1385_1386delTC(L462Hfs*14) is expected to be pathogenic in the context of EVC-related Ellis-van Creveld syndrome. This variant is predicted to lead to an abnormal or absent protein product due to the creation of a premature termination codon in EVC, a gene where loss-of-function variants are known to be pathogenic. Please note: this variant was assessed in the context of healthy population screening.

NM_153717.3(EVC):c.1385_1386del (p.Leu462fs)

Gene: EVC (EvC ciliary complex subunit 1; plus strand). Cytogenetic location: 4p16.2.
Variant type: Deletion.
Coding change: c.1385_1386del on transcript NM_153717.3 (MANE Select); coding-DNA positions 1385 to 1386, 2 bases deleted (TC; older notation c.1385_1386delTC).
Protein change: p.Leu462fs; shifts the reading frame from leucine 462.
Molecular consequence: frameshift variant.
Genome position (GRCh38, 1-based): chr4:5,753,854-5,753,855, TC deleted; deleting any 2 consecutive bases within chr4:5,753,853-5,753,855 gives the same sequence; the c. name uses the placement nearest the transcript's 3' end. VCF-style (leftmost placement, unchanged base first): chr4-5753852-ACT-A. GRCh37 (hg19) VCF-style: chr4-5755579-ACT-A.
Other names: c.1385_1386del, p.Leu462fs (NM_001306090.2, NM_001306092.2); short protein forms L462fs.
Identifiers: ClinVar variation 5015562 (VCV005015562.1).